The following is an entry in ClinVar:

NM_005618.4(DLL1):c.1588G>A (p.Val530Met)

Gene: DLL1 (delta like canonical Notch ligand 1; minus strand). Cytogenetic location: 6q27.
Variant type: single nucleotide variant.
Coding change: c.1588G>A on transcript NM_005618.4 (MANE Select); coding-DNA position 1588, G replaced by A.
Protein change: p.Val530Met; replaces valine 530 with methionine.
Molecular consequence: missense variant.
Genome position (GRCh38, 1-based): chr6:170,283,691, C>T on the plus strand (G>A on the coding strand, the complement: DLL1 is on the minus strand). VCF-style: chr6-170283691-C-T. GRCh37 (hg19) VCF-style: chr6-170592779-C-T.
Other names: short protein forms V530M.
Identifiers: ClinVar variation 1924491 (VCV001924491.5), dbSNP rs1363783901, ClinGen allele CA366506956.
Genomic context (GRCh38, chr6:170,283,691, plus strand): 5'-CGCACACGGCCACCCAGGGGAATGGCCCGCCCTGGCCCTCTAGCTTCTCAGTGAGGTCCA[C>T]CACCGCTGGGCCCGGGGGCAGCTCGGGGAGCAGGAACTGGCAGTTGGGACCCCCGTAGCC-3'
Protein context (NP_005609.3, residues 520-540): LPELPPGPAV[Val530Met]DLTEKLEGQG

ClinVar aggregate classification (germline): Uncertain significance (1 of 4 stars; one submission).

Allele frequency attached by ClinVar (database versions not stated): gnomAD exomes 0.00004.

Submission:

Labcorp Genetics (formerly Invitae), Labcorp
Classification: Uncertain significance. Last evaluated: 2025-10-23. Review status: criteria provided, single submitter. Criteria: Invitae Variant Classification Sherloc (09022015). Collection method: clinical testing. Allele origin: germline.
Comment: This sequence change replaces valine, which is neutral and non-polar, with methionine, which is neutral and non-polar, at codon 530 of the DLL1 protein (p.Val530Met). This variant is not present in population databases (gnomAD no frequency). This variant has not been reported in the literature in individuals affected with DLL1-related conditions. ClinVar contains an entry for this variant (Variation ID: 1924491). An algorithm developed to predict the effect of missense changes on protein structure and function (PolyPhen-2) suggests that this variant is likely to be disruptive. In summary, the available evidence is currently insufficient to determine the role of this variant in disease. Therefore, it has been classified as a Variant of Uncertain Significance.